The following is an entry in ClinVar:

NM_000059.4(BRCA2):c.6131G>C (p.Gly2044Ala)

Gene: BRCA2 (BRCA2 DNA repair associated; plus strand). Cytogenetic location: 13q13.1.
Variant type: single nucleotide variant.
Coding change: c.6131G>C on transcript NM_000059.4 (MANE Select); coding-DNA position 6131, G replaced by C.
Protein change: p.Gly2044Ala; replaces glycine 2044 with alanine.
Molecular consequence: missense variant.
Genome position (GRCh38, 1-based): chr13:32,340,486, G>C. VCF-style: chr13-32340486-G-C. GRCh37 (hg19) VCF-style: chr13-32914623-G-C.
Other names: 6359G>C; short protein forms G2044A.
Identifiers: ClinVar variation 38020 (VCV000038020.37), dbSNP rs56191579, ClinGen allele CA023684.
Genomic context (GRCh38, chr13:32,340,486, plus strand): 5'-AGCTCACAAGAGAAGAAAATACTGCTATACGTACTCCAGAACATTTAATATCCCAAAAAG[G>C]CTTTTCATATAATGTGGTAAATTCATCTGCTTTCTCTGGATTTAGTACAGCAAGTGGAAA-3'
Protein context (NP_000050.3, residues 2034-2054): RTPEHLISQK[Gly2044Ala]FSYNVVNSSA

ClinVar aggregate classification (germline): Conflicting classifications of pathogenicity. Review status: criteria provided, conflicting classifications (1 of 4 stars). 18 submissions from 18 submitters: Uncertain significance (2); Benign (3); Likely benign (8). 5 of the submissions do not count toward it. Last evaluated 2026-05-11.

Conditions:
Breast and/or ovarian cancer. Identifiers: MedGen CN221562.
BRCA2-related disorder. Also called: BRCA2-related condition; BRCA2-related disorders. Identifiers: MedGen CN239275.
Hereditary cancer-predisposing syndrome. Also called: Hereditary neoplastic syndrome; Tumor predisposition; Hereditary Cancer Syndrome; Neoplastic Syndromes, Hereditary. Identifiers: Orphanet 140162, MedGen C0027672, MeSH D009386, MONDO:0015356.
Hereditary breast ovarian cancer syndrome. Also called: Breast and ovarian cancer; Hereditary breast and/or ovarian cancer syndrome; BRCA1- and BRCA2-Associated Hereditary Breast and Ovarian Cancer; Hereditary breast and ovarian cancer syndrome; Hereditary breast and ovarian cancer; Hereditary breast and ovarian cancer syndrome (HBOC). Identifiers: Orphanet 145, MedGen C0677776, MeSH D061325, MONDO:0003582. Disease mechanism: loss of function.
Fanconi anemia complementation group D1. Also called: BRCA2-Related Fanconi Anemia. Identifiers: Orphanet 319462, MedGen C1838457, MONDO:0011584, OMIM 605724.
Breast-ovarian cancer, familial, susceptibility to, 2 (BROVCA2). Also called: BRCA2 Hereditary Breast and Ovarian Cancer. Identifiers: Orphanet 145, MedGen C2675520, MONDO:0012933, OMIM 612555. Disease mechanism: loss of function.
Malignant tumor of breast. Also called: Cancer breast; Malignant breast neoplasm. Identifiers: MedGen C0006142, MONDO:0007254. Disease mechanism: loss of function.

Allele frequency attached by ClinVar (database versions not stated): TOPMed 0.00002; ESP Exome Variant Server 0.00008.
gnomAD v4.1: 23 of 1,613,582 alleles (0.0014%); highest among the groups gnomAD compares: Middle Eastern, 0.017%; no homozygotes.

Submissions (18):

PreventionGenetics, part of Exact Sciences
Classification: Likely benign for BRCA2-related condition. Last evaluated: 2026-05-11. Review status: criteria provided, single submitter. Criteria: ACMG Guidelines, 2015. Collection method: clinical testing. Allele origin: germline.
Comment: This variant is classified as likely benign based on ACMG/AMP sequence variant interpretation guidelines (Richards et al. 2015 PMID: 25741868, with internal and published modifications).

Labcorp Genetics (formerly Invitae), Labcorp
Classification: Benign for Hereditary breast ovarian cancer syndrome. Last evaluated: 2025-11-23. Review status: criteria provided, single submitter. Criteria: Invitae Variant Classification Sherloc (09022015). Collection method: clinical testing. Allele origin: germline.

ARUP Laboratories, Molecular Genetics and Genomics, ARUP Laboratories
Classification: Benign. Last evaluated: 2024-09-24. Review status: criteria provided, single submitter. Criteria: ARUP Molecular Germline Variant Investigation Process 2024. Collection method: clinical testing. Allele origin: germline.

All of Us Research Program, National Institutes of Health
Classification: Likely benign for Breast-ovarian cancer, familial, susceptibility to, 2. Last evaluated: 2023-12-18. Review status: criteria provided, single submitter. Criteria: ACMG Guidelines, 2015. Collection method: clinical testing. Allele origin: germline. Inheritance: Autosomal dominant inheritance. Observed: 6 variant alleles, 6 heterozygotes.
Comment: This study involves interpretation of variants in research participants for the purpose of population health screening. Participant phenotype was not available at the time of variant classification. Additional details can be found in publication PMID: 35346344, PMCID: PMC8962531

Women's Health and Genetics/Laboratory Corporation of America, LabCorp
Classification: Likely benign. Last evaluated: 2023-11-24. Review status: criteria provided, single submitter. Criteria: LabCorp Variant Classification Summary - May 2015. Collection method: clinical testing. Allele origin: germline.
Comment: Variant summary: BRCA2 c.6131G>C (p.Gly2044Ala) results in a non-conservative amino acid change in the encoded protein sequence. Four of five in-silico tools predict a benign effect of the variant on protein function. The variant allele was found at a frequency of 3.1e-05 in 358056 control chromosomes (gnomAD, Diez_2003, Dorling_2021). This frequency is not significantly higher than estimated for a pathogenic variant in BRCA2 causing Hereditary Breast And Ovarian Cancer Syndrome (3.1e-05 vs 0.00075), allowing no conclusion about variant significance. c.6131G>C has been reported in the literature in individuals affected with breast and/or ovarian cancer without strong evidence of causality (Diez_2003, Martinez-Ferrandis_2003, Palomba_2009, Jalkh_2012, Santonocito_2020, Foglietta_2020, Patruno_2021). These reports do not provide unequivocal conclusions about association of the variant with Hereditary Breast And Ovarian Cancer Syndrome. Co-occurrences with other pathogenic variants have been reported (BRCA2 c.5984dup, p.Asn1995LysfsX8; BRCA2 c.5980C>T, p.Gln1994Ter), providing supporting evidence for a benign role. To our knowledge, no experimental evidence demonstrating an impact on protein function has been reported. The following publications have been ascertained in the context of this evaluation (PMID: 22713736, 12955716, 19619314, 14517958, 32438681, 33471991, 32806537, 34572941). Ten submitters have cited clinical-significance assessments for this variant to ClinVar after 2014, and classified it as benign (n=2), likely benign (n=6), or uncertain significance (n=2). Based on the evidence outlined above, the variant was classified as likely benign.

Quest Diagnostics Nichols Institute San Juan Capistrano
Classification: Likely benign. Last evaluated: 2023-08-02. Review status: criteria provided, single submitter. Criteria: Quest Diagnostics criteria. Collection method: clinical testing. Allele origin: unknown.

University of Washington Department of Laboratory Medicine, University of Washington
Classification: Likely benign for Hereditary cancer-predisposing syndrome. Last evaluated: 2023-03-23. Review status: criteria provided, single submitter. Criteria: Dines et al. (Genet Med. 2020). Collection method: curation. Allele origin: germline.
Comment: Missense variant in a coldspot region where missense variants are very unlikely to be pathogenic (PMID:31911673).

BRCA2 exon 11 coldspot. Reclassification based on statistical prior probability.

Sema4
Classification: Likely benign for Hereditary cancer-predisposing syndrome. Last evaluated: 2020-11-11. Review status: criteria provided, single submitter. Criteria: Sema4 Curation Guidelines. Collection method: curation. Allele origin: germline.

Baylor Genetics
Classification: Uncertain significance for Fanconi anemia complementation group D1. Last evaluated: 2020-05-05. Review status: criteria provided, single submitter. Criteria: ACMG Guidelines, 2015. Collection method: clinical testing. Allele origin: unknown. Affected: yes.
Comment: This variant was determined to be of uncertain significance according to ACMG Guidelines, 2015 [PMID:25741868].

GeneDx
Classification: Likely benign. Last evaluated: 2020-04-06. Review status: criteria provided, single submitter. Criteria: GeneDx Variant Classification Process June 2021. Collection method: clinical testing. Allele origin: germline. Affected: yes.
Comment: This variant is associated with the following publications: (PMID: 22713736, 19619314, 16949048, 12955716, 29061375, 14517958, 12624724)

Color Diagnostics, LLC DBA Color Health
Classification: Likely benign for Hereditary cancer-predisposing syndrome. Last evaluated: 2017-05-11. Review status: criteria provided, single submitter. Criteria: ACMG Guidelines, 2015. Collection method: clinical testing. Allele origin: germline.

CHEO Genetics Diagnostic Laboratory, Children's Hospital of Eastern Ontario
Classification: Uncertain significance for Breast and/or ovarian cancer. Last evaluated: 2015-12-11. Review status: criteria provided, single submitter. Criteria: ACMG Guidelines, 2015. Collection method: clinical testing. Allele origin: germline. Study: Canadian Open Genetics Repository.

Ambry Genetics
Classification: Benign for Hereditary cancer-predisposing syndrome. Last evaluated: 2015-08-15. Review status: criteria provided, single submitter. Criteria: Ambry Variant Classification Scheme 2023. Collection method: clinical testing. Allele origin: germline.

Sharing Clinical Reports Project (SCRP)
Classification: Benign for Breast-ovarian cancer, familial 2. Last evaluated: 2010-04-22. Review status: no assertion criteria provided. Collection method: clinical testing. Allele origin: germline. Not counted in ClinVar's aggregate classification.

Breast Cancer Information Core (BIC) (BRCA2)
Classification: Uncertain significance for Breast-ovarian cancer, familial 2. Last evaluated: 2004-02-20. Review status: no assertion criteria provided. Collection method: clinical testing. Allele origin: germline. Affected: yes. Observed: 3 variant alleles. Not counted in ClinVar's aggregate classification.

Clinical Genetics DNA and cytogenetics Diagnostics Lab, Erasmus MC, Erasmus Medical Center
Classification: Likely benign. Review status: no assertion criteria provided. Collection method: clinical testing. Allele origin: germline. Affected: yes. Study: VKGL Data-share Consensus. Not counted in ClinVar's aggregate classification.

Department of Pathology and Laboratory Medicine, Sinai Health System
Classification: Likely benign for Malignant tumor of breast. Review status: no assertion criteria provided. Collection method: clinical testing. Allele origin: unknown. Affected: yes. Observed: 2 variant alleles. Study: The Canadian Open Genetics Repository (COGR). Not counted in ClinVar's aggregate classification.
Comment: The BRCA2 p.Gly2044Ala variant was identified in 5 of 2336 proband chromosomes (frequency: 0.003) from Spanish, Lebanese and Sardinian (Italian) individuals or families with sporadic breast cancer, early onset breast cancer and/or HBOC and was not identified in 606 control chromosomes from healthy individuals (Palomba 2009 , Martinez-Ferrandis 2003, Jalkh 2012, Diez 2003). In 1 proband, the variant was found to co-occur with a truncating BRCA2 mutation (p.Q1994X) and hence determined to be a rare polymorphism because it altered a non-conservative residue and was absent in controls (Martinez-Ferrandis 2003). The variant was also identified in dbSNP (ID: rs56191579) â€šÃ„ÃºWith other alleleâ€šÃ„Ã¹, ClinVar (with conflicting interpretations of pathogenicity: classified benign by Ambry Genetics and SCRP (Sharing Clinical Reports Project); likely benign by GeneDx and Invitae; and uncertain significance by CHEO Genetics Diagnostic Lab, Quest Diagnostics Nichols Institute San Juan Capistrano and BIC), Clinvitae (4X), UMD-LSDB (3x as 3-UV), and BIC Database (3x clinical importance unknown, classification pending). The variant was not identified in COGR, Cosmic, ARUP Laboratories, and Zhejiang Colon Cancer Databases. Breakdown of the observations by population include African in 1 of 15274 chromosomes (freq: 0.00007), Other in 1 of 5472 chromosomes (freq: 0.0002), Latino in 1 of 33566 chromosomes (freq: 0.00003), European Non-Finnish in 3 of 111442 chromosomes (freq: 0.00003), and not in the Ashkenazi Jewish, East Asian, European Finnish, and South Asian populations. The p.Gly2044 residue is not conserved in mammals and computational analyses (PolyPhen-2, SIFT, AlignGVGD, BLOSUM, MutationTaster) do not suggest a high likelihood of impact to the protein; however, this information is not predictive enough to rule out pathogenicity. The variant occurs outside of the splicing consensus sequence and in silico or computational prediction software programs (SpliceSiteFinder, MaxEntScan, NNSPLICE, GeneSplicer, HumanSpliceFinder) do not predict a difference in splicing. In summary, based on the above information the clinical significance of this variant cannot be determined with certainty at this time although we would lean towards a more benign role for this variant. This variant is classified as likely benign.

Laboratory of Diagnostic Genome Analysis, Leiden University Medical Center (LUMC)
Classification: Likely benign. Review status: no assertion criteria provided. Collection method: clinical testing. Allele origin: germline. Affected: yes. Study: VKGL Data-share Consensus. Not counted in ClinVar's aggregate classification.

Literature cited by the submitters: PubMed 22713736 (cited by 3 submitters); PubMed 12955716 (cited by 3 submitters); PubMed 19619314 (cited by 3 submitters); PubMed 14517958 (cited by Women's Health and Genetics/Laboratory Corporation of America, LabCorp and Quest Diagnostics Nichols Institute San Juan Capistrano); PubMed 32438681 (cited by Women's Health and Genetics/Laboratory Corporation of America, LabCorp and Quest Diagnostics Nichols Institute San Juan Capistrano); PubMed 33471991 (cited by Women's Health and Genetics/Laboratory Corporation of America, LabCorp and Quest Diagnostics Nichols Institute San Juan Capistrano); PubMed 32806537 (cited by Women's Health and Genetics/Laboratory Corporation of America, LabCorp and Quest Diagnostics Nichols Institute San Juan Capistrano); PubMed 34572941 (cited by Women's Health and Genetics/Laboratory Corporation of America, LabCorp); PubMed 29061375 (cited by Quest Diagnostics Nichols Institute San Juan Capistrano); PubMed 31911673 (cited by Quest Diagnostics Nichols Institute San Juan Capistrano).